The following is an entry in ClinVar:

ClinVar aggregate classification (germline): Uncertain significance (1 of 4 stars; one submission).

gnomAD v4.1: 9 of 1,613,326 alleles (0.00056%); highest among the groups gnomAD compares: Non-Finnish European, 0.00076%; no homozygotes.

Submission:

Labcorp Genetics (formerly Invitae), Labcorp
Classification: Uncertain significance. Last evaluated: 2022-04-25. Review status: criteria provided, single submitter. Criteria: Invitae Variant Classification Sherloc (09022015). Collection method: clinical testing. Allele origin: germline.
Comment: This sequence change replaces proline, which is neutral and non-polar, with alanine, which is neutral and non-polar, at codon 124 of the RP1L1 protein (p.Pro124Ala). This variant is not present in population databases (gnomAD no frequency). This variant has not been reported in the literature in individuals affected with RP1L1-related conditions. Advanced modeling of protein sequence and biophysical properties (such as structural, functional, and spatial information, amino acid conservation, physicochemical variation, residue mobility, and thermodynamic stability) performed at Invitae indicates that this missense variant is not expected to disrupt RP1L1 protein function. In summary, the available evidence is currently insufficient to determine the role of this variant in disease. Therefore, it has been classified as a Variant of Uncertain Significance.

NM_178857.6(RP1L1):c.370C>G (p.Pro124Ala)

Gene: RP1L1 (RP1 like 1). Cytogenetic location: 8p23.1.
Variant type: single nucleotide variant.
Coding change: c.370C>G on transcript NM_178857.6 (MANE Select); coding-DNA position 370, C replaced by G.
Protein change: p.Pro124Ala; replaces proline 124 with alanine.
Molecular consequence: missense variant.
Genome position (GRCh38, 1-based): chr8:10,622,832, G>C on the plus strand (C>G on the coding strand, the complement: RP1L1 is on the minus strand). VCF-style: chr8-10622832-G-C. GRCh37 (hg19) VCF-style: chr8-10480342-G-C.
Other names: short protein forms P124A.
Identifiers: ClinVar variation 2013022 (VCV002013022.4), dbSNP rs966577180, ClinGen allele CA171954755.